The following is an entry in ClinVar:

ClinVar aggregate classification (germline): Uncertain significance. Review status: criteria provided, multiple submitters, no conflicts (2 of 4 stars). 2 submissions from 2 submitters: Uncertain significance (2). Last evaluated 2023-08-07.

Allele frequency attached by ClinVar (database versions not stated): ExAC 0.00001; gnomAD 0.00001.
gnomAD v4.1: 9 of 1,614,004 alleles (0.00056%); highest among the groups gnomAD compares: East Asian, 0.02%; no homozygotes.

Submissions (2):

Athena Diagnostics
Classification: Uncertain significance. Last evaluated: 2023-08-07. Review status: criteria provided, single submitter. Criteria: Athena Diagnostics Criteria. Collection method: clinical testing. Allele origin: unknown.
Comment: Available data are insufficient to determine the clinical significance of the variant at this time. The frequency of this variant in the general population is higher than would generally be expected for pathogenic variants in this gene. Computational tools disagree on the variant's effect on normal protein function.

CeGaT Center for Human Genetics Tuebingen
Classification: Uncertain significance. Last evaluated: 2017-11-01. Review status: criteria provided, single submitter. Criteria: CeGaT Center For Human Genetics Tuebingen Variant Classification Criteria Version 2. Collection method: clinical testing. Allele origin: germline. Affected: yes. Observed: 1 variant allele.

NM_006946.4(SPTBN2):c.2779G>T (p.Asp927Tyr)

Gene: SPTBN2 (spectrin beta, non-erythrocytic 2; minus strand). Cytogenetic location: 11q13.2.
Variant type: single nucleotide variant.
Coding change: c.2779G>T on transcript NM_006946.4 (MANE Select); coding-DNA position 2779, G replaced by T.
Protein change: p.Asp927Tyr; replaces aspartic acid 927 with tyrosine.
Molecular consequence: missense variant.
Genome position (GRCh38, 1-based): chr11:66,701,621, C>A on the plus strand (G>T on the coding strand, the complement: SPTBN2 is on the minus strand). VCF-style: chr11-66701621-C-A. GRCh37 (hg19) VCF-style: chr11-66469092-C-A.
Other names: c.2779G>T (NM_006946.2); short protein forms D927Y.
Identifiers: ClinVar variation 546675 (VCV000546675.44), dbSNP rs766125112, ClinGen allele CA6129015.